The following is an entry in ClinVar:

NM_001252024.2(TRPM1):c.4781A>G (p.His1594Arg)

Gene: TRPM1 (transient receptor potential cation channel subfamily M member 1; minus strand). Cytogenetic location: 15q13.3.
Variant type: single nucleotide variant.
Coding change: c.4781A>G on transcript NM_001252024.2 (MANE Select); coding-DNA position 4781, A replaced by G.
Protein change: p.His1594Arg; replaces histidine 1594 with arginine.
Molecular consequence: missense variant.
Genome position (GRCh38, 1-based): chr15:31,001,919, T>C on the plus strand (A>G on the coding strand, the complement: TRPM1 is on the minus strand). VCF-style: chr15-31001919-T-C. GRCh37 (hg19) VCF-style: chr15-31294122-T-C.
Other names: c.4832A>G, p.His1611Arg (NM_001252020.2); c.4715A>G, p.His1572Arg (NM_002420.6); short protein forms H1572R, H1594R, H1611R.
Identifiers: ClinVar variation 315487 (VCV000315487.11), dbSNP rs200626726, ClinGen allele CA7451578.
Genomic context (GRCh38, chr15:31,001,919, plus strand): 5'-ACCTTTTTTTCTTCTGCTGTCATTCCAGACACAATTACTAAGCTGCTTACACTACTGGCA[T>C]GTCCAGATCTGTCTAACTTTCCCTGAATGGATTTCACATTCCTAGGATGTCCATGTAAAC-3'
Protein context (NP_001238953.1, residues 1584-1604): SIQGKLDRSG[His1594Arg]ASSVSSLVIV

ClinVar aggregate classification (germline): Uncertain significance. Review status: criteria provided, multiple submitters, no conflicts (2 of 4 stars). 3 submissions from 3 submitters: Uncertain significance (3). Last evaluated 2024-07-04.

Conditions:
Congenital stationary night blindness 1C. Also called: Night blindness, congenital stationary (complete), 1C, autosomal recessive. Identifiers: Orphanet 215, MedGen C2750747, MONDO:0013183, OMIM 613216.

Allele frequency attached by ClinVar (database versions not stated): ESP Exome Variant Server 0.00008; TOPMed 0.00009; gnomAD 0.00011.
gnomAD v4.1: 267 of 1,614,092 alleles (0.017%); highest among the groups gnomAD compares: Non-Finnish European, 0.021%; 1 homozygote.

Submissions (3):

Blueprint Genetics
Classification: Uncertain significance. Last evaluated: 2024-07-04. Review status: criteria provided, single submitter. Criteria: ACMG Guidelines, 2015. Collection method: clinical testing. Allele origin: germline.

Labcorp Genetics (formerly Invitae), Labcorp
Classification: Uncertain significance. Last evaluated: 2024-01-31. Review status: criteria provided, single submitter. Criteria: Invitae Variant Classification Sherloc (09022015). Collection method: clinical testing. Allele origin: germline.
Comment: This sequence change replaces histidine, which is basic and polar, with arginine, which is basic and polar, at codon 1572 of the TRPM1 protein (p.His1572Arg). This variant is present in population databases (rs200626726, gnomAD 0.02%). This variant has not been reported in the literature in individuals affected with TRPM1-related conditions. ClinVar contains an entry for this variant (Variation ID: 315487). Advanced modeling of protein sequence and biophysical properties (such as structural, functional, and spatial information, amino acid conservation, physicochemical variation, residue mobility, and thermodynamic stability) has been performed at Invitae for this missense variant, however the output from this modeling did not meet the statistical confidence thresholds required to predict the impact of this variant on TRPM1 protein function. In summary, the available evidence is currently insufficient to determine the role of this variant in disease. Therefore, it has been classified as a Variant of Uncertain Significance.

Illumina Laboratory Services, Illumina
Classification: Uncertain significance for Congenital stationary night blindness 1C. Last evaluated: 2018-01-13. Review status: criteria provided, single submitter. Criteria: ICSL Variant Classification Criteria 13 December 2019. Collection method: clinical testing. Allele origin: germline.